The following is an entry in ClinVar:

NM_003978.5(PSTPIP1):c.748G>A (p.Glu250Lys)

Gene: PSTPIP1 (proline-serine-threonine phosphatase interacting protein 1; plus strand). Cytogenetic location: 15q24.3.
Variant type: single nucleotide variant.
Coding change: c.748G>A on transcript NM_003978.5 (MANE Select); coding-DNA position 748, G replaced by A.
Protein change: p.Glu250Lys; replaces glutamic acid 250 with lysine.
Molecular consequence: missense variant.
Genome position (GRCh38, 1-based): chr15:77,032,304, G>A. VCF-style: chr15-77032304-G-A. GRCh37 (hg19) VCF-style: chr15-77324645-G-A.
Other names: c.748G>A, p.Glu250Lys (NM_001321135.2, NM_001411086.1); c.721G>A, p.Glu241Lys (NM_001321136.2); c.943G>A, p.Glu315Lys (NM_001321137.1); short protein forms E250K, E241K, E315K.
Identifiers: ClinVar variation 97810 (VCV000097810.54), dbSNP rs28939089, ClinGen allele CA150157.
Genomic context (GRCh38, chr15:77,032,304, plus strand): 5'-CACAGAGGGGCAGAGTGGGCATCGGGCTGCGGCCTCTGCTCTTTCCTGCCCCAGCTCTAC[G>A]AGGAAGTGCGGCTGACGCTGGAAGGCTGCAGCATAGACGCCGACATCGACAGTTTCATCC-3'
Protein context (NP_003969.2, residues 240-260): MQCVKDDELY[Glu250Lys]EVRLTLEGCS

ClinVar aggregate classification (germline): Pathogenic. Review status: criteria provided, multiple submitters, no conflicts (2 of 4 stars). 15 submissions from 15 submitters: Pathogenic (9). 6 of the submissions do not count toward it. Last evaluated 2025-11-06.

Conditions:
Hyperzincemia and hypercalprotectinemia (AICZC). Also called: Hyperzincemia with functional zinc depletion; HZHC SYNDROME. Identifiers: Orphanet 251523, MedGen C4760957, MONDO:0011174, OMIM 601979.
Pyogenic arthritis-pyoderma gangrenosum-acne syndrome (PAPA). Also called: FAMILIAL RECURRENT ARTHRITIS; PAPA SYNDROME. Identifiers: Orphanet 69126, MedGen C1858361, MONDO:0011462, OMIM 604416.

Submissions (15):

3billion
Classification: Pathogenic for Hyperzincemia and hypercalprotectinemia. Last evaluated: 2025-11-06. Review status: criteria provided, single submitter. Criteria: ACMG Guidelines, 2015. Collection method: clinical testing. Allele origin: germline. Affected: yes.
Comment: The variant is not observed in the gnomAD v4.1.0 dataset. Predicted Consequence/Location: Missense variant. Missense changes are a common disease-causing mechanism. In silico tool predictions suggest damaging effect of the variant on gene or gene product [REVEL: 0.48 (>=0.6, sensitivity 0.68 and specificity 0.92); 3Cnet: 0.99 (> 0.75, sensitivity 0.96 and precision 0.92)]. The same nucleotide change resulting in the same amino acid change has been previously reported as pathogenic/likely pathogenic with strong evidence (ClinVar ID: VCV000097810 /PMID: 22513199 /3billion dataset). A different missense change at the same codon (p.Glu250Gln) has been reported as pathogenic/likely pathogenic with strong evidence (ClinVar ID: VCV000004434 /PMID: 11971877). Therefore, this variant is classified as Pathogenic according to the recommendation of ACMG/AMP guideline.

Labcorp Genetics (formerly Invitae), Labcorp
Classification: Pathogenic for Pyogenic arthritis-pyoderma gangrenosum-acne syndrome. Last evaluated: 2025-04-17. Review status: criteria provided, single submitter. Criteria: Invitae Variant Classification Sherloc (09022015). Collection method: clinical testing. Allele origin: germline.
Comment: This sequence change replaces glutamic acid, which is acidic and polar, with lysine, which is basic and polar, at codon 250 of the PSTPIP1 protein (p.Glu250Lys). This variant is not present in population databases (gnomAD no frequency). This missense change has been observed in individuals with PAPA syndrome or hyperzincemia and hypercalprotectinemia (PMID: 22161697, 22513199, 25845478, 26025129). ClinVar contains an entry for this variant (Variation ID: 97810). Invitae Evidence Modeling of protein sequence and biophysical properties (such as structural, functional, and spatial information, amino acid conservation, physicochemical variation, residue mobility, and thermodynamic stability) indicates that this missense variant is expected to disrupt PSTPIP1 protein function with a positive predictive value of 80%. This variant disrupts the p.Glu250 amino acid residue in PSTPIP1. Other variant(s) that disrupt this residue have been determined to be pathogenic (PMID: 11971877, 16527883, 20506269, 22161697). This suggests that this residue is clinically significant, and that variants that disrupt this residue are likely to be disease-causing. For these reasons, this variant has been classified as Pathogenic.

Oxford Medical Genetics Laboratories, Oxford University Hospitals NHS Foundation Trust
Classification: Pathogenic for Pyogenic arthritis-pyoderma gangrenosum-acne syndrome. Last evaluated: 2023-03-23. Review status: criteria provided, single submitter. Criteria: ACMG Guidelines, 2015. Collection method: clinical testing. Allele origin: de novo. Affected: yes.

GeneDx
Classification: Pathogenic. Last evaluated: 2022-02-03. Review status: criteria provided, single submitter. Criteria: GeneDx Variant Classification Process June 2021. Collection method: clinical testing. Allele origin: germline. Affected: yes.
Comment: Published functional studies demonstrate altered function for E250K, with significantly increased binding to pyrin and an increase in phosphorylation by cABL, when compared to wild type (Holzinger et al., 2015); Not observed at significant frequency in large population cohorts (gnomAD); In silico analysis supports that this missense variant has a deleterious effect on protein structure/function; This variant is associated with the following publications: (PMID: 22161697, 28628471, 29150835, 26989109, 25845478, 26025129, 28832562, 31119601, 32441320, 28960754, 33256319, 32054657, 29453417, 33597285, 22513199)

Mayo Clinic Laboratories, Mayo Clinic
Classification: Pathogenic. Last evaluated: 2021-11-24. Review status: criteria provided, single submitter. Criteria: ACMG Guidelines, 2015. Collection method: clinical testing. Allele origin: germline.
Comment: PM2_supporting, PS2, PS4

Victorian Clinical Genetics Services, Murdoch Childrens Research Institute
Classification: Pathogenic for Pyogenic arthritis-pyoderma gangrenosum-acne syndrome. Last evaluated: 2019-08-28. Review status: criteria provided, single submitter. Criteria: ACMG Guidelines, 2015. Collection method: clinical testing. Allele origin: germline. Inheritance: Autosomal dominant inheritance. Affected: yes.
Comment: A heterozygous missense variant, NM_003978.3(PSTPIP1):c.748G>A, has been identified in exon 11 of 15 of the PSTPIP1 gene. The variant is predicted to result in a amino acid change from glutamic acid to lysine at position 250 of the protein (NP_003969.2(PSTPIP1):p.(Glu250Lys)). The glutamic acid at this position has conservation (100 vertebrates, UCSC), and is located within the BAR superfamily domain. In silico predictions for this variant are consistently pathogenic (Polyphen, SIFT, CADD, Mutation Taster). The variant is absent in population databases (gnomAD, dbSNP, 1000G). The variant has been previously reported pathogenic in multiple patients with hypercalprotectinemia and hyperzincemia (Hz/Hc) (Holzinger, D. et al., 2015). It has also been shown de novo in at least 8 patients and inherited in one family (Holzinger, D. et al., 2015). Additionally, studies demonstrated it impacts protein function (Holzinger, D. et al., 2015). A different variant in the same codon resulting in a change to glutamine is known to cause the classic phenotype, PAPA syndrome (pyogenic sterile arthritis, pyoderma gangrenosum, and acne) (Holzinger, D. et al., 2015). Based on the information available at the time of curation, this variant has been classified as PATHOGENIC.

Centre for Mendelian Genomics, University Medical Centre Ljubljana
Classification: Pathogenic for Pyogenic arthritis-pyoderma gangrenosum-acne syndrome. Last evaluated: 2019-07-09. Review status: criteria provided, single submitter. Criteria: ACMG Guidelines, 2015. Collection method: clinical testing. Allele origin: unknown. Affected: yes.
Comment: This variant was classified as: Pathogenic. The following ACMG criteria were applied in classifying this variant: PS1,PS3,PM2,PM5,PP3.

Juno Genomics, Hangzhou Juno Genomics, Inc
Classification: Pathogenic for Pyogenic arthritis-pyoderma gangrenosum-acne syndrome. Review status: criteria provided, single submitter. Criteria: ACMG Guidelines, 2015. Collection method: clinical testing. Allele origin: germline. Affected: yes.
Comment: Absent from controls (or at extremely low frequency if recessive) in Genome Aggregation Database, Exome Sequencing Project, 1000 Genomes Project, or Exome Aggregation Consortium.;The prevalence of the variant in affected individuals is significantly increased compared to the prevalence in controls.;Assumed de novo, but without confirmation of paternity and maternity.;Novel missense change at an amino acid residue where a different missense change determined to be pathogenic has been seen before.;Patient's phenotype or family history is highly specific for a disease with a single genetic etiology.;Well-established in vitro or in vivo functional studies supportive of a damaging effect on the gene or gene product.

Kasturba Medical College, Manipal, Kasturba Medical College, Manipal, Manipal Academy of Higher Education, Manipal, India
Classification: Pathogenic for Pyogenic arthritis-pyoderma gangrenosum-acne syndrome. Review status: criteria provided, single submitter. Criteria: ACMG Guidelines, 2015. Collection method: clinical testing. Allele origin: germline. Inheritance: Autosomal dominant inheritance. Affected: yes.

OMIM
Classification: Pathogenic for AUTOINFLAMMATORY SYNDROME WITH CYTOPENIA, HYPERZINCEMIA, AND HYPERCALPROTECTINEMIA. Last evaluated: 2024-09-23. Review status: no assertion criteria provided. Collection method: literature only. Allele origin: germline. Not counted in ClinVar's aggregate classification.

Clinical Laboratory Sciences Program (CLSP), King Saud bin Abdulaziz University for Health Sciences (KSAU-HS)
Classification: Pathogenic for Pyogenic arthritis-pyoderma gangrenosum-acne syndrome. Last evaluated: 2023-04-01. Review status: no assertion criteria provided. Collection method: clinical testing. Allele origin: germline. Affected: yes. Not counted in ClinVar's aggregate classification.

Clinical Genetics DNA and cytogenetics Diagnostics Lab, Erasmus MC, Erasmus Medical Center
Classification: Pathogenic. Review status: no assertion criteria provided. Collection method: clinical testing. Allele origin: germline. Affected: yes. Study: VKGL Data-share Consensus. Not counted in ClinVar's aggregate classification.

Genome Diagnostics Laboratory, University Medical Center Utrecht
Classification: Pathogenic. Review status: no assertion criteria provided. Collection method: clinical testing. Allele origin: germline. Affected: yes. Study: VKGL Data-share Consensus. Not counted in ClinVar's aggregate classification.

Joint Genome Diagnostic Labs from Nijmegen and Maastricht, Radboudumc and MUMC+
Classification: Pathogenic. Review status: no assertion criteria provided. Collection method: clinical testing. Allele origin: germline. Affected: yes. Study: VKGL Data-share Consensus. Not counted in ClinVar's aggregate classification.

Unité médicale des maladies autoinflammatoires, CHRU Montpellier
No classification provided. Condition: Pyogenic arthritis, pyoderma gangrenosum and acne. Review status: no classification provided. Collection method: not provided. Allele origin: unknown. Not counted in ClinVar's aggregate classification.

Literature cited by the submitters: PubMed 11971877 (cited by 3billion and Labcorp Genetics (formerly Invitae), Labcorp); PubMed 22513199 (cited by 3 submitters); PubMed 22161697 (cited by 3 submitters); PubMed 25845478 (cited by Labcorp Genetics (formerly Invitae), Labcorp and Mayo Clinic Laboratories, Mayo Clinic); PubMed 26025129 (cited by 3 submitters); PubMed 16527883 (cited by Labcorp Genetics (formerly Invitae), Labcorp); PubMed 20506269 (cited by Labcorp Genetics (formerly Invitae), Labcorp); PubMed 28628471 (cited by Mayo Clinic Laboratories, Mayo Clinic and OMIM); PubMed 28960754 (cited by Mayo Clinic Laboratories, Mayo Clinic and OMIM); PubMed 29150835 (cited by Mayo Clinic Laboratories, Mayo Clinic); PubMed 30198636 (cited by Mayo Clinic Laboratories, Mayo Clinic); PubMed 31119601 (cited by Mayo Clinic Laboratories, Mayo Clinic); PubMed 31789267 (cited by Mayo Clinic Laboratories, Mayo Clinic); PubMed 32054657 (cited by Mayo Clinic Laboratories, Mayo Clinic); PubMed 32441320 (cited by Mayo Clinic Laboratories, Mayo Clinic); PubMed 33597285 (cited by Mayo Clinic Laboratories, Mayo Clinic); PubMed 34399798 (cited by Mayo Clinic Laboratories, Mayo Clinic); PubMed 34620178 (cited by Mayo Clinic Laboratories, Mayo Clinic); DOI 10.1186/s12969-021-00636-9 (cited by Kasturba Medical College, Manipal, Kasturba Medical College, Manipal, Manipal Academy of Higher Education, Manipal, India); PubMed 9262226 (cited by OMIM); PubMed 34047005 (cited by OMIM); PubMed 37628706 (cited by OMIM).